The following is an entry in ClinVar:

NM_004104.5(FASN):c.6581C>T (p.Ala2194Val)

Gene: FASN (fatty acid synthase; minus strand). Cytogenetic location: 17q25.3.
Variant type: single nucleotide variant.
Coding change: c.6581C>T on transcript NM_004104.5 (MANE Select); coding-DNA position 6581, C replaced by T.
Protein change: p.Ala2194Val; replaces alanine 2194 with valine.
Molecular consequence: missense variant.
Genome position (GRCh38, 1-based): chr17:82,081,178, G>A on the plus strand (C>T on the coding strand, the complement: FASN is on the minus strand). VCF-style: chr17-82081178-G-A. GRCh37 (hg19) VCF-style: chr17-80039054-G-A.
Other names: short protein forms A2194V.
Identifiers: ClinVar variation 3708778 (VCV003708778.3).

ClinVar aggregate classification (germline): Uncertain significance (1 of 4 stars; one submission).

Conditions:
Epileptic encephalopathy. Identifiers: MedGen C0543888, HP:0200134.

gnomAD v4.1: 14 of 1,587,472 alleles (0.00088%); highest among the groups gnomAD compares: Middle Eastern, 0.017%; no homozygotes.

Submissions (2):

Labcorp Genetics (formerly Invitae), Labcorp
Classification: Uncertain significance for Epileptic encephalopathy. Last evaluated: 2024-06-25. Review status: criteria provided, single submitter. Criteria: Invitae Variant Classification Sherloc (09022015). Collection method: clinical testing. Allele origin: germline.
Comment: This sequence change replaces alanine, which is neutral and non-polar, with valine, which is neutral and non-polar, at codon 2194 of the FASN protein (p.Ala2194Val). This variant is not present in population databases (gnomAD no frequency). This variant has not been reported in the literature in individuals affected with FASN-related conditions. An algorithm developed to predict the effect of missense changes on protein structure and function (PolyPhen-2) suggests that this variant is likely to be tolerated. Algorithms developed to predict the effect of sequence changes on RNA splicing suggest that this variant may create or strengthen a splice site. In summary, the available evidence is currently insufficient to determine the role of this variant in disease. Therefore, it has been classified as a Variant of Uncertain Significance.

Dr. Peter K. Rogan Lab, Western University
No classification provided (evidence only). Condition: Gastric cancer. Review status: no classification provided. Collection method: in vitro. Allele origin: not applicable. Functional consequence: retained intron. Not counted in ClinVar's aggregate classification.